The following is an entry in ClinVar:

NM_003331.5(TYK2):c.2204T>C (p.Val735Ala)

Gene: TYK2 (tyrosine kinase 2; minus strand). Cytogenetic location: 19p13.2.
Variant type: single nucleotide variant.
Coding change: c.2204T>C on transcript NM_003331.5 (MANE Select); coding-DNA position 2204, T replaced by C.
Protein change: p.Val735Ala; replaces valine 735 with alanine.
Molecular consequence: missense variant.
Genome position (GRCh38, 1-based): chr19:10,358,110, A>G on the plus strand (T>C on the coding strand, the complement: TYK2 is on the minus strand). VCF-style: chr19-10358110-A-G. GRCh37 (hg19) VCF-style: chr19-10468786-A-G.
Other names: c.2204T>C, p.Val735Ala (NM_001385197.1, NM_001385198.1, NM_001385200.1 and 2 more transcripts); c.2018T>C, p.Val673Ala (NM_001385199.1); c.2006T>C, p.Val669Ala (NM_001385201.1); c.2120T>C, p.Val707Ala (NM_001385202.1); c.2114T>C, p.Val705Ala (NM_001385205.1); c.2078T>C, p.Val693Ala (NM_001385206.1); c.2186T>C, p.Val729Ala (NM_001385207.1); c.2204T>C (NM_003331.4); short protein forms V673A, V693A, V705A, V729A, V735A, V707A, V669A.
Identifiers: ClinVar variation 1351995 (VCV001351995.9), dbSNP rs754086085, ClinGen allele CA9193144.
Genomic context (GRCh38, chr19:10,358,110, plus strand): 5'-ATGAAGGGGCTGGTGCCCTCTGCCAACCCCAGCCGGGCCAGCAGGATGTTCCGGCCACAC[A>G]CATTACCATGAACCAGGTTCTTGTTCTCCTGAGGTGGGCAGGAGAGGGGGTGTGGCCACT-3'
Protein context (NP_003322.3, residues 725-745): LENKNLVHGN[Val735Ala]CGRNILLARL

ClinVar aggregate classification (germline): Uncertain significance. Review status: criteria provided, multiple submitters, no conflicts (2 of 4 stars). 3 submissions from 3 submitters: Uncertain significance (3). Last evaluated 2024-10-14.

Conditions:
Inborn genetic diseases. Identifiers: MedGen C0950123, MeSH D030342.
Immunodeficiency 35 (IMD35). Also called: HIES WITH ATYPICAL MYCOBACTERIOSIS, AUTOSOMAL RECESSIVE; HYPER-IgE SYNDROME WITH ATYPICAL MYCOBACTERIOSIS, AUTOSOMAL RECESSIVE; Susceptibility to infection due to TYK2 deficiency; TYK2 DEFICIENCY. Identifiers: Orphanet 331226, MedGen C1969086, MONDO:0012682, OMIM 611521.

Allele frequency attached by ClinVar (database versions not stated): gnomAD 0.00001; gnomAD exomes 0.00001 and 0.00002; TOPMed 0.00001; ExAC 0.00002.
gnomAD v4.1: 12 of 1,611,000 alleles (0.00074%); highest among the groups gnomAD compares: Non-Finnish European, 0.00093%; no homozygotes.

Submissions (3):

Blueprint Genetics
Classification: Uncertain significance. Last evaluated: 2024-10-14. Review status: criteria provided, single submitter. Criteria: ACMG Guidelines, 2015. Collection method: clinical testing. Allele origin: germline.

Ambry Genetics
Classification: Uncertain significance for Inborn genetic diseases. Last evaluated: 2023-03-02. Review status: criteria provided, single submitter. Criteria: Ambry Variant Classification Scheme 2023. Collection method: clinical testing. Allele origin: germline.

Labcorp Genetics (formerly Invitae), Labcorp
Classification: Uncertain significance for Immunodeficiency 35. Last evaluated: 2022-06-20. Review status: criteria provided, single submitter. Criteria: Invitae Variant Classification Sherloc (09022015). Collection method: clinical testing. Allele origin: germline.
Comment: Algorithms developed to predict the effect of missense changes on protein structure and function are either unavailable or do not agree on the potential impact of this missense change (SIFT: "Not Available"; PolyPhen-2: "Possibly Damaging"; Align-GVGD: "Not Available"). This sequence change replaces valine, which is neutral and non-polar, with alanine, which is neutral and non-polar, at codon 735 of the TYK2 protein (p.Val735Ala). This variant is present in population databases (rs754086085, gnomAD 0.004%). This variant has not been reported in the literature in individuals affected with TYK2-related conditions. In summary, the available evidence is currently insufficient to determine the role of this variant in disease. Therefore, it has been classified as a Variant of Uncertain Significance.